The following is an entry in ClinVar:

NM_152383.5(DIS3L2):c.2558A>T (p.Tyr853Phe)

Gene: DIS3L2 (DIS3 like 3'-5' exoribonuclease 2; plus strand). Cytogenetic location: 2q37.1.
Variant type: single nucleotide variant.
Coding change: c.2558A>T on transcript NM_152383.5 (MANE Select); coding-DNA position 2558, A replaced by T.
Protein change: p.Tyr853Phe; replaces tyrosine 853 with phenylalanine.
Molecular consequence: missense variant. On other transcripts: non-coding transcript variant (2), intron variant (1).
Genome position (GRCh38, 1-based): chr2:232,336,530, A>T. VCF-style: chr2-232336530-A-T. GRCh37 (hg19) VCF-style: chr2-233201240-A-T.
Other names: c.1582-6815A>T (NM_001257281.2); short protein forms Y853F.
Identifiers: ClinVar variation 1473683 (VCV001473683.8), dbSNP rs1695954953, ClinGen allele CA350978961.

ClinVar aggregate classification (germline): Uncertain significance (1 of 4 stars; one submission).

Conditions:
Perlman syndrome (PRLMNS). Identifiers: Orphanet 2849, MedGen C0796113, MONDO:0009965, OMIM 267000.

Submission:

Labcorp Genetics (formerly Invitae), Labcorp
Classification: Uncertain significance for Perlman syndrome. Last evaluated: 2025-10-21. Review status: criteria provided, single submitter. Criteria: Invitae Variant Classification Sherloc (09022015). Collection method: clinical testing. Allele origin: germline.
Comment: This sequence change replaces tyrosine, which is neutral and polar, with phenylalanine, which is neutral and non-polar, at codon 853 of the DIS3L2 protein (p.Tyr853Phe). This variant is not present in population databases (gnomAD no frequency). This variant has not been reported in the literature in individuals affected with DIS3L2-related conditions. ClinVar contains an entry for this variant (Variation ID: 1473683). Invitae Evidence Modeling of protein sequence and biophysical properties (such as structural, functional, and spatial information, amino acid conservation, physicochemical variation, residue mobility, and thermodynamic stability) indicates that this missense variant is not expected to disrupt DIS3L2 protein function with a negative predictive value of 80%. In summary, the available evidence is currently insufficient to determine the role of this variant in disease. Therefore, it has been classified as a Variant of Uncertain Significance.